The following is an entry in ClinVar:

ClinVar aggregate classification (germline): Benign. Review status: criteria provided, multiple submitters, no conflicts (2 of 4 stars). 3 submissions from 3 submitters: Benign (3). Last evaluated 2021-05-11.

Conditions:
Bardet-Biedl syndrome 2 (BBS2). Identifiers: Orphanet 110, MedGen C2936863, MONDO:0014432, OMIM 615981.

Allele frequency attached by ClinVar (database versions not stated): TOPMed 0.03821; 1000 Genomes Project 0.03834; 1000 Genomes Project 30x 0.04107.
gnomAD v4.1: 7,946 of 748,576 alleles (1.1%); highest among the groups gnomAD compares: African/African-American, 12%; 455 homozygotes.

Submissions (3):

GeneDx
Classification: Benign. Last evaluated: 2021-05-11. Review status: criteria provided, single submitter. Criteria: GeneDx Variant Classification Process June 2021. Collection method: clinical testing. Allele origin: germline. Affected: yes.

Illumina Laboratory Services, Illumina
Classification: Benign for Bardet-Biedl syndrome 2. Last evaluated: 2018-01-13. Review status: criteria provided, single submitter. Criteria: ICSL Variant Classification Criteria 13 December 2019. Collection method: clinical testing. Allele origin: germline.
Comment: This variant was observed in the ICSL laboratory as part of a predisposition screen in an ostensibly healthy population. It had not been previously curated by ICSL or reported in the Human Gene Mutation Database (HGMD: prior to June 1st, 2018), and was therefore a candidate for classification through an automated scoring system. Utilizing variant allele frequency, disease prevalence and penetrance estimates, and inheritance mode, an automated score was calculated to assess if this variant is too frequent to cause the disease. Based on the score and internal cut-off values, a variant classified as benign is not then subjected to further curation. The score for this variant resulted in a classification of benign for this disease.

Breakthrough Genomics
Classification: Benign. Review status: criteria provided, single submitter. Criteria: ACMG Guidelines, 2015. Collection method: not provided. Allele origin: germline. Inheritance: Autosomal recessive inheritance. Affected: yes.

NM_031885.5(BBS2):c.-137C>G

Gene: BBS2 (Bardet-Biedl syndrome 2; minus strand). Cytogenetic location: 16q13.
Variant type: single nucleotide variant.
Coding change: c.-137C>G on transcript NM_031885.5 (MANE Select); 137 bases upstream of the start codon, C replaced by G.
Molecular consequence: 5 prime UTR variant. On other transcripts: non-coding transcript variant (5).
Genome position (GRCh38, 1-based): chr16:56,519,999, G>C on the plus strand (C>G on the coding strand, the complement: BBS2 is on the minus strand). VCF-style: chr16-56519999-G-C. GRCh37 (hg19) VCF-style: chr16-56553911-G-C.
Other names: c.-137C>G (NM_001377456.1).
Identifiers: ClinVar variation 319876 (VCV000319876.8), dbSNP rs77438708, ClinGen allele CA10648640.